The following is an entry in ClinVar:

NM_003923.3(FOXH1):c.166C>G (p.Leu56Val)

Gene: FOXH1 (forkhead box H1; minus strand). Cytogenetic location: 8q24.3.
Variant type: single nucleotide variant.
Coding change: c.166C>G on transcript NM_003923.3 (MANE Select); coding-DNA position 166, C replaced by G.
Protein change: p.Leu56Val; replaces leucine 56 with valine.
Molecular consequence: missense variant.
Genome position (GRCh38, 1-based): chr8:144,475,591, G>C on the plus strand (C>G on the coding strand, the complement: FOXH1 is on the minus strand). VCF-style: chr8-144475591-G-C. GRCh37 (hg19) VCF-style: chr8-145700974-G-C.
Other names: short protein forms L56V.
Identifiers: ClinVar variation 1310196 (VCV001310196.2), dbSNP rs1270873964, ClinGen allele CA372726013.

ClinVar aggregate classification (germline): Uncertain significance (1 of 4 stars; one submission).

gnomAD v4.1: 1 of 1,449,048 alleles (0.000069%); highest among the groups gnomAD compares: Non-Finnish European, 0.000091%; no homozygotes.

Submission:

GeneDx
Classification: Uncertain significance. Last evaluated: 2019-11-10. Review status: criteria provided, single submitter. Criteria: GeneDx Variant Classification Process June 2021. Collection method: clinical testing. Allele origin: germline. Affected: yes.
Comment: Not observed in large population cohorts (Lek et al., 2016); In silico analysis, which includes protein predictors and evolutionary conservation, supports a deleterious effect; Has not been previously published as pathogenic or benign to our knowledge